The following is an entry in ClinVar:

ClinVar aggregate classification (germline): Uncertain significance. Review status: criteria provided, multiple submitters, no conflicts (2 of 4 stars). 3 submissions from 3 submitters: Uncertain significance (3). Last evaluated 2025-04-21.

Conditions:
Inborn genetic diseases. Identifiers: MedGen C0950123, MeSH D030342.
Myoglobinuria, acute recurrent, autosomal recessive. Also called: RHABDOMYOLYSIS, ACUTE RECURRENT; MYOGLOBINURIA, FAMILIAL PAROXYSMAL PARALYTIC; Myoglobinuria, recurrent, autosomal recessive. Identifiers: Orphanet 99845, MedGen C1849386, MONDO:0009992, OMIM 268200.

Allele frequency attached by ClinVar (database versions not stated): gnomAD exomes below 0.00001 and 0.00001; gnomAD 0.00001.
gnomAD v4.1: 16 of 1,614,098 alleles (0.00099%); highest among the groups gnomAD compares: African/African-American, 0.0027%; no homozygotes.

Submissions (3):

Ambry Genetics
Classification: Uncertain significance for Inborn genetic diseases. Last evaluated: 2025-04-21. Review status: criteria provided, single submitter. Criteria: Ambry Variant Classification Scheme 2023. Collection method: clinical testing. Allele origin: germline.

Fulgent Genetics
Classification: Uncertain significance for Myoglobinuria, acute recurrent, autosomal recessive. Last evaluated: 2022-05-18. Review status: criteria provided, single submitter. Criteria: ACMG Guidelines, 2015. Collection method: clinical testing. Allele origin: unknown.

Labcorp Genetics (formerly Invitae), Labcorp
Classification: Uncertain significance. Last evaluated: 2021-08-20. Review status: criteria provided, single submitter. Criteria: Invitae Variant Classification Sherloc (09022015). Collection method: clinical testing. Allele origin: germline.
Comment: This sequence change replaces threonine with methionine at codon 653 of the LPIN1 protein (p.Thr653Met). The threonine residue is highly conserved and there is a moderate physicochemical difference between threonine and methionine. This variant is not present in population databases (ExAC no frequency). This variant has not been reported in the literature in individuals affected with LPIN1-related conditions. Algorithms developed to predict the effect of missense changes on protein structure and function are either unavailable or do not agree on the potential impact of this missense change (SIFT: "Deleterious"; PolyPhen-2: "Probably Damaging"; Align-GVGD: "Class C0"). In summary, the available evidence is currently insufficient to determine the role of this variant in disease. Therefore, it has been classified as a Variant of Uncertain Significance.

NM_001349206.2(LPIN1):c.2066C>T (p.Thr689Met)

Gene: LPIN1 (lipin 1; plus strand). Cytogenetic location: 2p25.1.
Variant type: single nucleotide variant.
Coding change: c.2066C>T on transcript NM_001349206.2 (MANE Select); coding-DNA position 2066, C replaced by T.
Protein change: p.Thr689Met; replaces threonine 689 with methionine.
Molecular consequence: missense variant. On other transcripts: non-coding transcript variant (1).
Genome position (GRCh38, 1-based): chr2:11,804,475, C>T. VCF-style: chr2-11804475-C-T. GRCh37 (hg19) VCF-style: chr2-11944601-C-T.
Other names: c.1976C>T, p.Thr659Met (NM_001261427.3); c.2213C>T, p.Thr738Met (NM_001261428.3); c.1958C>T, p.Thr653Met (NM_001349199.2, NM_145693.4); c.2036C>T, p.Thr679Met (NM_001349200.2, NM_001349201.2); c.2063C>T, p.Thr688Met (NM_001349202.2, NM_001349203.2); c.2066C>T, p.Thr689Met (NM_001349204.2, NM_001349205.2); c.2156C>T, p.Thr719Met (NM_001349207.2); c.2105C>T, p.Thr702Met (NM_001349208.2); and 1 more; short protein forms T653M, T719M, T738M, T679M, T702M, T659M, T688M, T689M.
Identifiers: ClinVar variation 1481448 (VCV001481448.8), dbSNP rs1364674031, ClinGen allele CA345855075.